The following is an entry in ClinVar:

NM_015884.4(MBTPS2):c.304T>G (p.Leu102Val)

Gene: MBTPS2 (membrane bound transcription factor peptidase, site 2; plus strand). Cytogenetic location: Xp22.12.
Variant type: single nucleotide variant.
Coding change: c.304T>G on transcript NM_015884.4 (MANE Select); coding-DNA position 304, T replaced by G.
Protein change: p.Leu102Val; replaces leucine 102 with valine.
Molecular consequence: missense variant.
Genome position (GRCh38, 1-based): chrX:21,845,250, T>G. VCF-style: chrX-21845250-T-G. GRCh37 (hg19) VCF-style: chrX-21863368-T-G.
Other names: short protein forms L102V.
Identifiers: ClinVar variation 2631574 (VCV002631574.15), dbSNP rs2519556417, ClinGen allele CA412561870.

ClinVar aggregate classification (germline): Uncertain significance. Review status: criteria provided, multiple submitters, no conflicts (2 of 4 stars). 2 submissions from 2 submitters: Uncertain significance (2). Last evaluated 2024-09-01.

Conditions:
MBTPS2-related disorder. Also called: MBTPS2-related condition.

Submissions (2):

CeGaT Center for Human Genetics Tuebingen
Classification: Uncertain significance. Last evaluated: 2024-09-01. Review status: criteria provided, single submitter. Criteria: CeGaT Center For Human Genetics Tuebingen Variant Classification Criteria Version 2. Collection method: clinical testing. Allele origin: germline. Affected: yes. Observed: 1 variant allele.
Comment: MBTPS2: PM2

PreventionGenetics, part of Exact Sciences
Classification: Uncertain significance for MBTPS2-related condition. Last evaluated: 2023-07-12. Review status: criteria provided, single submitter. Criteria: ACMG Guidelines, 2015. Collection method: clinical testing. Allele origin: germline.
Comment: The MBTPS2 c.304T>G variant is predicted to result in the amino acid substitution p.Leu102Val. To our knowledge, this variant has not been reported in the literature or in a large population database, indicating this variant is rare. At this time, the clinical significance of this variant is uncertain due to the absence of conclusive functional and genetic evidence.